The following is an entry in ClinVar:

NM_001082971.2(DDC):c.446G>C (p.Ser149Thr)

Gene: DDC (dopa decarboxylase; minus strand). Cytogenetic location: 7p12.1.
Variant type: single nucleotide variant.
Coding change: c.446G>C on transcript NM_001082971.2 (MANE Select); coding-DNA position 446, G replaced by C.
Protein change: p.Ser149Thr; replaces serine 149 with threonine.
Molecular consequence: missense variant. On other transcripts: intron variant (1).
Genome position (GRCh38, 1-based): chr7:50,529,332, C>G on the plus strand (G>C on the coding strand, the complement: DDC is on the minus strand). VCF-style: chr7-50529332-C-G. GRCh37 (hg19) VCF-style: chr7-50597030-C-G.
Other names: c.446G>C, p.Ser149Thr (NM_000790.4, NM_001242887.2, NM_001242890.2); c.332G>C, p.Ser111Thr (NM_001242886.2); c.212G>C, p.Ser71Thr (NM_001242888.2); c.435+8528G>C (NM_001242889.2); short protein forms S149T, S111T, S71T.
Identifiers: ClinVar variation 636255 (VCV000636255.8), dbSNP rs971183744, ClinGen allele CA367526845.
Genomic context (GRCh38, chr7:50,529,332, plus strand): 5'-GCCTGCAGCCGATGGATCACTTTGGTCCGAGCGGCCAGCAGGGCCACCAGGGTGGCTTCA[C>G]TGGCACTTCCCTAAATTCAAGAGAAGGTCCAAATGAAATCCCAAACATAGCGAAGGCATT-3'
Protein context (NP_001076440.2, residues 139-159): EGGGVIQGSA[Ser149Thr]EATLVALLAA

ClinVar aggregate classification (germline): Conflicting classifications of pathogenicity. Review status: criteria provided, conflicting classifications (1 of 4 stars). 2 submissions from 2 submitters: Pathogenic (1); Uncertain significance (1). Last evaluated 2022-04-11.

Conditions:
Deficiency of aromatic-L-amino-acid decarboxylase. Also called: AADC DEFICIENCY; Aromatic L-Amino Acid Decarboxylase Deficiency; DDC DEFICIENCY; DOPA DECARBOXYLASE DEFICIENCY; Aromatic amino acid decarboxylase deficiency. Identifiers: Orphanet 35708, MedGen C1291564, MONDO:0012084, OMIM 608643.

Allele frequency attached by ClinVar (database versions not stated): gnomAD exomes 0.00002.
gnomAD v4.1: 6 of 1,614,222 alleles (0.00037%); highest among the groups gnomAD compares: Admixed American, 0.01%; no homozygotes.

Submissions (2):

Labcorp Genetics (formerly Invitae), Labcorp
Classification: Uncertain significance for Deficiency of aromatic-L-amino-acid decarboxylase. Last evaluated: 2022-04-11. Review status: criteria provided, single submitter. Criteria: Invitae Variant Classification Sherloc (09022015). Collection method: clinical testing. Allele origin: germline.
Comment: Algorithms developed to predict the effect of missense changes on protein structure and function are either unavailable or do not agree on the potential impact of this missense change (SIFT: "Deleterious"; PolyPhen-2: "Benign"; Align-GVGD: "Class C55"). ClinVar contains an entry for this variant (Variation ID: 636255). In summary, the available evidence is currently insufficient to determine the role of this variant in disease. Therefore, it has been classified as a Variant of Uncertain Significance. This missense change has been observed in individual(s) with clinical features of aromatic L-amino acid decarboxylase deficiency (PMID: 25001633, 31607746, 32369189). This variant is present in population databases (no rsID available, gnomAD 0.01%). This sequence change replaces serine, which is neutral and polar, with threonine, which is neutral and polar, at codon 149 of the DDC protein (p.Ser149Thr).

Undiagnosed Diseases Network, NIH
Classification: Pathogenic for Deficiency of aromatic-L-amino-acid decarboxylase. Last evaluated: 2018-12-03. Review status: criteria provided, single submitter. Criteria: ACMG Guidelines, 2015. Collection method: clinical testing. Allele origin: inherited. Inheritance: Autosomal recessive inheritance. Affected: yes. Observed: 1 variant allele, 1 homozygote.
Comment: The activity of aromatic L-amino acid decarboxylase (AADC) in plasma was below reference range of CLIA laboratory.

Literature cited by the submitters: PubMed 25001633 (cited by Labcorp Genetics (formerly Invitae), Labcorp); PubMed 31607746 (cited by Labcorp Genetics (formerly Invitae), Labcorp); PubMed 32369189 (cited by Labcorp Genetics (formerly Invitae), Labcorp).